The following is an entry in ClinVar:

ClinVar aggregate classification (germline): Uncertain significance (1 of 4 stars; one submission).

Conditions:
Hereditary cancer-predisposing syndrome. Also called: Neoplastic Syndromes, Hereditary; Tumor predisposition; Hereditary Cancer Syndrome; Hereditary neoplastic syndrome. Identifiers: Orphanet 140162, MedGen C0027672, MeSH D009386, MONDO:0015356.

Submission:

Ambry Genetics
Classification: Uncertain significance for Hereditary cancer-predisposing syndrome. Last evaluated: 2017-09-27. Review status: criteria provided, single submitter. Criteria: Ambry Variant Classification Scheme 2023. Collection method: clinical testing. Allele origin: germline.
Comment: The p.Y730H variant (also known as c.2188T>C), located in coding exon 4 of the MSH6 gene, results from a T to C substitution at nucleotide position 2188. The tyrosine at codon 730 is replaced by histidine, an amino acid with similar properties. This amino acid position is poorly conserved in available vertebrate species. In addition, this alteration is predicted to be tolerated by in silico analysis. In addition, the CoDP in silico tool predicts this alteration to have minor impact on molecular function, with a score of 0.004 (Terui H et al. J. Biomed. Sci. 2013 Apr;20:25). Since supporting evidence is limited at this time, the clinical significance of this alteration remains unclear.

NM_000179.3(MSH6):c.2188T>C (p.Tyr730His)

Gene: MSH6 (mutS homolog 6; plus strand). Cytogenetic location: 2p16.3.
Variant type: single nucleotide variant.
Coding change: c.2188T>C on transcript NM_000179.3 (MANE Select); coding-DNA position 2188, T replaced by C.
Protein change: p.Tyr730His; replaces tyrosine 730 with histidine.
Molecular consequence: missense variant.
Genome position (GRCh38, 1-based): chr2:47,800,171, T>C. VCF-style: chr2-47800171-T-C. GRCh37 (hg19) VCF-style: chr2-48027310-T-C.
Other names: c.1798T>C, p.Tyr600His (NM_001281492.2); c.1282T>C, p.Tyr428His (NM_001281493.2, NM_001281494.2, NM_001406811.1 and 6 more transcripts); c.2284T>C, p.Tyr762His (NM_001406795.1, NM_001406802.1); c.2188T>C, p.Tyr730His (NM_001406796.1, NM_001406798.1, NM_001406800.1 and 3 more transcripts); c.1891T>C, p.Tyr631His (NM_001406797.1, NM_001406801.1, NM_001406805.1 and 10 more transcripts); c.1663T>C, p.Tyr555His (NM_001406799.1, NM_001406806.1, NM_001406807.1); c.2110T>C, p.Tyr704His (NM_001406804.1); c.2194T>C, p.Tyr732His (NM_001406813.1); and 1 more; short protein forms Y631H, Y600H, Y704H, Y730H, Y732H, Y762H, Y555H, Y428H.
Identifiers: ClinVar variation 1787369 (VCV001787369.2), dbSNP rs2104393147, ClinGen allele CA346751258.